The following is an entry in ClinVar:

ClinVar aggregate classification (germline): Uncertain significance. Review status: criteria provided, multiple submitters, no conflicts (2 of 4 stars). 2 submissions from 2 submitters: Uncertain significance (2). Last evaluated 2026-01-01.

Conditions:
Cardiovascular phenotype. Identifiers: MedGen CN230736.
DiGeorge syndrome. Also called: THIRD AND FOURTH PHARYNGEAL POUCH SYNDROME; Catch22. Identifiers: Orphanet 567, MedGen C0012236, MONDO:0008564, OMIM 188400.

Allele frequency attached by ClinVar (database versions not stated): TOPMed 0.00005; gnomAD 0.00006.

Submissions (2):

Labcorp Genetics (formerly Invitae), Labcorp
Classification: Uncertain significance for DiGeorge syndrome. Last evaluated: 2026-01-01. Review status: criteria provided, single submitter. Criteria: Invitae Variant Classification Sherloc (09022015). Collection method: clinical testing. Allele origin: germline.
Comment: This sequence change replaces valine, which is neutral and non-polar, with methionine, which is neutral and non-polar, at codon 193 of the TBX1 protein (p.Val193Met). This variant is present in population databases (rs767140968, gnomAD 0.02%). This variant has not been reported in the literature in individuals affected with TBX1-related conditions. ClinVar contains an entry for this variant (Variation ID: 1749602). Invitae Evidence Modeling of protein sequence and biophysical properties (such as structural, functional, and spatial information, amino acid conservation, physicochemical variation, residue mobility, and thermodynamic stability) indicates that this missense variant is not expected to disrupt TBX1 protein function with a negative predictive value of 80%. In summary, the available evidence is currently insufficient to determine the role of this variant in disease. Therefore, it has been classified as a Variant of Uncertain Significance.

Ambry Genetics
Classification: Uncertain significance for Cardiovascular phenotype. Last evaluated: 2024-11-10. Review status: criteria provided, single submitter. Criteria: Ambry Variant Classification Scheme 2023. Collection method: clinical testing. Allele origin: germline.
Comment: The p.V193M variant (also known as c.577G>A), located in coding exon 4 of the TBX1 gene, results from a G to A substitution at nucleotide position 577. The valine at codon 193 is replaced by methionine, an amino acid with highly similar properties. This amino acid position is conserved. In addition, the in silico prediction for this alteration is inconclusive. Since supporting evidence is limited at this time, the clinical significance of this alteration remains unclear.

NM_001379200.1(TBX1):c.604G>A (p.Val202Met)

Gene: TBX1 (T-box transcription factor 1; plus strand). Cytogenetic location: 22q11.21.
Variant type: single nucleotide variant.
Coding change: c.604G>A on transcript NM_001379200.1 (MANE Select); coding-DNA position 604, G replaced by A.
Protein change: p.Val202Met; replaces valine 202 with methionine.
Molecular consequence: missense variant.
Genome position (GRCh38, 1-based): chr22:19,764,219, G>A. VCF-style: chr22-19764219-G-A. GRCh37 (hg19) VCF-style: chr22-19751742-G-A.
Other names: c.577G>A, p.Val193Met (NM_005992.1, NM_080646.2, NM_080647.1); short protein forms V202M, V193M.
Identifiers: ClinVar variation 1749602 (VCV001749602.8), dbSNP rs767140968, ClinGen allele CA10102501.